The following is an entry in ClinVar:

NM_004870.4(MPDU1):c.560C>T (p.Ala187Val)

Gene: MPDU1 (mannose-P-dolichol utilization defect 1; plus strand). Cytogenetic location: 17p13.1.
Variant type: single nucleotide variant.
Coding change: c.560C>T on transcript NM_004870.4 (MANE Select); coding-DNA position 560, C replaced by T.
Protein change: p.Ala187Val; replaces alanine 187 with valine.
Molecular consequence: missense variant. On other transcripts: non-coding transcript variant (1).
Genome position (GRCh38, 1-based): chr17:7,587,213, C>T. VCF-style: chr17-7587213-C-T. GRCh37 (hg19) VCF-style: chr17-7490531-C-T.
Other names: c.502C>T, p.Pro168Ser (NM_001330073.1); short protein forms A187V, P168S.
Identifiers: ClinVar variation 325519 (VCV000325519.14), dbSNP rs139686892, ClinGen allele CA8352998.

ClinVar aggregate classification (germline): Uncertain significance. Review status: criteria provided, multiple submitters, no conflicts (2 of 4 stars). 6 submissions from 6 submitters: Uncertain significance (6). Last evaluated 2024-11-11.

Conditions:
MPDU1-congenital disorder of glycosylation. Also called: CONGENITAL DISORDER OF GLYCOSYLATION, TYPE If; CDG If; MPDU1-CDG. Identifiers: Orphanet 79323, MedGen C1836669, MONDO:0012211, OMIM 609180.
Inborn genetic diseases. Identifiers: MedGen C0950123, MeSH D030342.

Allele frequency attached by ClinVar (database versions not stated): 1000 Genomes Project 30x 0.00016; 1000 Genomes Project 0.00020; ExAC 0.00036; gnomAD 0.00040 and 0.00044; gnomAD exomes 0.00043 and 0.00081; TOPMed 0.00047; ESP Exome Variant Server 0.00077.
gnomAD v4.1: 1,223 of 1,614,102 alleles (0.076%); highest among the groups gnomAD compares: Non-Finnish European, 0.098%; no homozygotes.

Submissions (6):

Labcorp Genetics (formerly Invitae), Labcorp
Classification: Uncertain significance for MPDU1-congenital disorder of glycosylation. Last evaluated: 2024-11-11. Review status: criteria provided, single submitter. Criteria: Invitae Variant Classification Sherloc (09022015). Collection method: clinical testing. Allele origin: germline.
Comment: This sequence change replaces alanine, which is neutral and non-polar, with valine, which is neutral and non-polar, at codon 187 of the MPDU1 protein (p.Ala187Val). This variant is present in population databases (rs139686892, gnomAD 0.08%), and has an allele count higher than expected for a pathogenic variant. This variant has not been reported in the literature in individuals affected with MPDU1-related conditions. ClinVar contains an entry for this variant (Variation ID: 325519). An algorithm developed to predict the effect of missense changes on protein structure and function (PolyPhen-2) suggests that this variant is likely to be disruptive. In summary, the available evidence is currently insufficient to determine the role of this variant in disease. Therefore, it has been classified as a Variant of Uncertain Significance.

Ambry Genetics
Classification: Uncertain significance for Inborn genetic diseases. Last evaluated: 2024-08-05. Review status: criteria provided, single submitter. Criteria: Ambry Variant Classification Scheme 2023. Collection method: clinical testing. Allele origin: germline.

GeneDx
Classification: Uncertain significance. Last evaluated: 2022-11-11. Review status: criteria provided, single submitter. Criteria: GeneDx Variant Classification Process June 2021. Collection method: clinical testing. Allele origin: germline. Affected: yes.
Comment: In silico analysis supports that this missense variant does not alter protein structure/function; Has not been previously published as pathogenic or benign to our knowledge

Fulgent Genetics
Classification: Uncertain significance for MPDU1-congenital disorder of glycosylation. Last evaluated: 2021-08-16. Review status: criteria provided, single submitter. Criteria: ACMG Guidelines, 2015. Collection method: clinical testing. Allele origin: unknown.

Illumina Laboratory Services, Illumina
Classification: Uncertain significance for MPDU1-congenital disorder of glycosylation. Last evaluated: 2018-01-13. Review status: criteria provided, single submitter. Criteria: ICSL Variant Classification Criteria 13 December 2019. Collection method: clinical testing. Allele origin: germline.

Breakthrough Genomics
Classification: Uncertain significance. Review status: criteria provided, single submitter. Criteria: ACMG Guidelines, 2015. Collection method: not provided. Allele origin: germline. Inheritance: Autosomal recessive inheritance. Affected: yes.